The following is an entry in ClinVar:

NM_001303256.3(MORC2):c.1166G>A (p.Arg389Gln)

Gene: MORC2 (MORC family CW-type zinc finger 2; minus strand). Cytogenetic location: 22q12.2.
Variant type: single nucleotide variant.
Coding change: c.1166G>A on transcript NM_001303256.3 (MANE Select); coding-DNA position 1166, G replaced by A.
Protein change: p.Arg389Gln; replaces arginine 389 with glutamine.
Molecular consequence: missense variant.
Genome position (GRCh38, 1-based): chr22:30,938,113, C>T on the plus strand (G>A on the coding strand, the complement: MORC2 is on the minus strand). VCF-style: chr22-30938113-C-T. GRCh37 (hg19) VCF-style: chr22-31334100-C-T.
Other names: c.1166G>A, p.Arg389Gln (NM_001303257.2); c.980G>A, p.Arg327Gln (NM_014941.3); short protein forms R389Q, R327Q.
Identifiers: ClinVar variation 2141914 (VCV002141914.4), dbSNP rs1260621137, ClinGen allele CA411239336.

ClinVar aggregate classification (germline): Uncertain significance (1 of 4 stars; one submission).

Conditions:
Charcot-Marie-Tooth disease axonal type 2Z. Also called: CHARCOT-MARIE-TOOTH DISEASE, AXONAL, AUTOSOMAL DOMINANT, TYPE 2Z; CHARCOT-MARIE-TOOTH NEUROPATHY, TYPE 2Z. Identifiers: Orphanet 466768, MedGen C5569025, MONDO:0014736, OMIM 616688.

Submission:

Labcorp Genetics (formerly Invitae), Labcorp
Classification: Uncertain significance for Charcot-Marie-Tooth disease axonal type 2Z. Last evaluated: 2022-02-23. Review status: criteria provided, single submitter. Criteria: Invitae Variant Classification Sherloc (09022015). Collection method: clinical testing. Allele origin: germline.
Comment: In summary, the available evidence is currently insufficient to determine the role of this variant in disease. Therefore, it has been classified as a Variant of Uncertain Significance. Advanced modeling of protein sequence and biophysical properties (such as structural, functional, and spatial information, amino acid conservation, physicochemical variation, residue mobility, and thermodynamic stability) performed at Invitae indicates that this missense variant is expected to disrupt MORC2 protein function. This variant has not been reported in the literature in individuals affected with MORC2-related conditions. This variant is not present in population databases (gnomAD no frequency). This sequence change replaces arginine, which is basic and polar, with glutamine, which is neutral and polar, at codon 389 of the MORC2 protein (p.Arg389Gln).